The following is an entry in ClinVar:

NM_001356.5(DDX3X):c.1084C>T (p.Arg362Cys)

Gene: DDX3X (DEAD-box helicase 3 X-linked; plus strand). Cytogenetic location: Xp11.4.
Variant type: single nucleotide variant.
Coding change: c.1084C>T on transcript NM_001356.5 (MANE Select); coding-DNA position 1084, C replaced by T.
Protein change: p.Arg362Cys; replaces arginine 362 with cysteine.
Molecular consequence: missense variant. On other transcripts: non-coding transcript variant (1).
Genome position (GRCh38, 1-based): chrX:41,345,238, C>T. VCF-style: chrX-41345238-C-T. GRCh37 (hg19) VCF-style: chrX-41204491-C-T.
Other names: c.1084C>T, p.Arg362Cys (NM_001193416.3); c.1036C>T, p.Arg346Cys (NM_001193417.3); c.526C>T, p.Arg176Cys (NM_001363819.1); c.1084C>T (NM_001356.3); short protein forms R362C, R346C, R176C.
Identifiers: ClinVar variation 208549 (VCV000208549.11), dbSNP rs797045026, ClinGen allele CA204537.

ClinVar aggregate classification (germline): Conflicting classifications of pathogenicity. Review status: criteria provided, conflicting classifications (1 of 4 stars). 5 submissions from 5 submitters: Likely pathogenic (2); Uncertain significance (1). 2 of the submissions do not count toward it. Last evaluated 2025-11-20.

Conditions:
Inborn genetic diseases. Identifiers: MedGen C0950123, MeSH D030342.
Intellectual disability, X-linked 102 (MRXSSB). Also called: Intellectual developmental disorder, X-linked syndromic, Snijders Blok type. Identifiers: Orphanet 457260, MedGen C5393299, MONDO:0010497, OMIM 300958.

Submissions (5):

Variantyx, Inc.
Classification: Likely pathogenic for Intellectual disability, X-linked 102. Last evaluated: 2025-11-20. Review status: criteria provided, single submitter. Criteria: Variantyx Assertion Criteria 2022. Collection method: clinical testing. Allele origin: maternal. Inheritance: X-linked inheritance. Affected: no.
Comment: This is a nonsynonymous variant in the DDX3X gene (OMIM: 300160). Pathogenic variants in this gene have been associated with X-linked syndromic intellectual developmental disorder, Snijders Blok type. This variant has been reported in at least 1 unrelated affected individual (PMID: 26235985) (PS4_Moderate), has been observed to segregate with disease in at least 3 individuals from 1 family (PMID: 26235985) (PP1), and is absent from control populations (PM2). Computational algorithms produce conflicting evidence regarding the predicted functional impact of this variant (REVEL score: 0.462), however, this variant lies within a well-established critical functional domain of the DDX3X protein (PMID: 26235985) (PM1). Based on the current evidence, this variant is classified as likely pathogenic for X-linked syndromic intellectual developmental disorder, Snijders Blok type.

GeneDx
Classification: Likely pathogenic. Last evaluated: 2025-10-31. Review status: criteria provided, single submitter. Criteria: GeneDx Variant Classification Process June 2021. Collection method: clinical testing. Allele origin: germline. Affected: yes.
Comment: Not observed at significant frequency in large population cohorts (gnomAD); In silico analysis supports that this missense variant has a deleterious effect on protein structure/function; This variant is associated with the following publications: (PMID: 26235985, 30734472, 40164730)

Ambry Genetics
Classification: Uncertain significance for Inborn genetic diseases. Last evaluated: 2025-10-16. Review status: criteria provided, single submitter. Criteria: Ambry Variant Classification Scheme 2023. Collection method: clinical testing. Allele origin: germline.
Comment: The c.1084C>T (p.R362C) alteration is located in exon 11 (coding exon 11) of the DDX3X gene. This alteration results from a C to T substitution at nucleotide position 1084, causing the arginine (R) at amino acid position 362 to be replaced by a cysteine (C). This variant was not reported in population-based cohorts in the Genome Aggregation Database (gnomAD). This variant was identified in one or more individuals with features consistent with DDX3X-related neurodevelopmental disorder (Snijders Blok, 2015; Hu, 2019) and segregated with disease in at least one family (Snijders Blok, 2015). Another variant at the same codon, c.1084C>A (p.R362S), has been identified in individual(s) with features consistent with DDX3X-related neurodevelopmental disorder (Forbes, 2024). This amino acid position is highly conserved in available vertebrate species. This missense alteration is located in a region that has a low rate of benign missense variation (Lek, 2016; Firth, 2009). The in silico prediction for this alteration is inconclusive. Based on insufficient or conflicting evidence, the clinical significance of this alteration remains unclear.

OMIM
Classification: Pathogenic for INTELLECTUAL DEVELOPMENTAL DISORDER, X-LINKED, SYNDROMIC, SNIJDERS BLOK TYPE. Last evaluated: 2015-08-06. Review status: no assertion criteria provided. Collection method: literature only. Allele origin: germline. Not counted in ClinVar's aggregate classification.

GeneReviews
No classification provided. Condition: Intellectual disability, X-linked 102. Review status: no classification provided. Collection method: literature only. Allele origin: germline. Not counted in ClinVar's aggregate classification.

Literature cited by the submitters: PubMed 26235985 (cited by 3 submitters); PubMed 29302074 (cited by Ambry Genetics); PubMed 38421120 (cited by Ambry Genetics); PubMed 32135084 (cited by GeneReviews); NCBI Bookshelf NBK561282 (cited by GeneReviews).